The following is an entry in ClinVar:

ClinVar aggregate classification (germline): Uncertain significance. Review status: criteria provided, multiple submitters, no conflicts (2 of 4 stars). 5 submissions from 5 submitters: Uncertain significance (4). 1 of the submissions does not count toward it. Last evaluated 2025-01-29.

Conditions:
ZNF469-related disorder. Also called: ZNF469-related condition.
Cardiovascular phenotype. Identifiers: MedGen CN230736.
Ehlers-Danlos syndrome (EDS). Identifiers: Orphanet 98249, MedGen C0013720, MONDO:0020066.

Allele frequency attached by ClinVar (database versions not stated): gnomAD exomes 0.00003; gnomAD 0.00012; 1000 Genomes Project 30x 0.00016; 1000 Genomes Project 0.00020; ESP Exome Variant Server 0.00022; TOPMed 0.00022.
gnomAD v4.1: 62 of 1,550,334 alleles (0.004%); highest among the groups gnomAD compares: Admixed American, 0.043%; no homozygotes.

Submissions (5):

Women's Health and Genetics/Laboratory Corporation of America, LabCorp
Classification: Uncertain significance. Last evaluated: 2025-01-29. Review status: criteria provided, single submitter. Criteria: LabCorp Variant Classification Summary - May 2015. Collection method: clinical testing. Allele origin: germline.
Comment: Variant summary: ZNF469 c.4675G>A (p.Glu1559Lys) results in a conservative amino acid change in the encoded protein sequence. Three of four in-silico tools predict a benign effect of the variant on protein function. The variant allele was found at a frequency of 3.3e-05 in 153700 control chromosomes. The available data on variant occurrences in the general population are insufficient to allow any conclusion about variant significance. To our knowledge, no occurrence of c.4675G>A in individuals affected with Brittle cornea syndrome 1 and no experimental evidence demonstrating its impact on protein function have been reported. ClinVar contains an entry for this variant (Variation ID: 1702132). Based on the evidence outlined above, the variant was classified as uncertain significance.

Labcorp Genetics (formerly Invitae), Labcorp
Classification: Uncertain significance. Last evaluated: 2025-01-23. Review status: criteria provided, single submitter. Criteria: Invitae Variant Classification Sherloc (09022015). Collection method: clinical testing. Allele origin: germline.
Comment: This sequence change replaces glutamic acid, which is acidic and polar, with lysine, which is basic and polar, at codon 1531 of the ZNF469 protein (p.Glu1531Lys). This variant is present in population databases (rs376951144, gnomAD 0.007%). This variant has not been reported in the literature in individuals affected with ZNF469-related conditions. ClinVar contains an entry for this variant (Variation ID: 1702132). An algorithm developed to predict the effect of missense changes on protein structure and function (PolyPhen-2) suggests that this variant is likely to be disruptive. In summary, the available evidence is currently insufficient to determine the role of this variant in disease. Therefore, it has been classified as a Variant of Uncertain Significance.

Ambry Genetics
Classification: Uncertain significance for Cardiovascular phenotype. Last evaluated: 2024-12-17. Review status: criteria provided, single submitter. Criteria: Ambry Variant Classification Scheme 2023. Collection method: clinical testing. Allele origin: germline.
Comment: The p.E1531K variant (also known as c.4591G>A), located in coding exon 2 of the ZNF469 gene, results from a G to A substitution at nucleotide position 4591. The glutamic acid at codon 1531 is replaced by lysine, an amino acid with similar properties. This amino acid position is conserved. In addition, this alteration is predicted to be tolerated by in silico analysis. Since supporting evidence is limited at this time, the clinical significance of this alteration remains unclear.

Genome Diagnostics Laboratory, The Hospital for Sick Children
Classification: Uncertain significance for Ehlers-Danlos syndrome. Last evaluated: 2019-06-01. Review status: criteria provided, single submitter. Criteria: ACMG Guidelines, 2015. Collection method: clinical testing. Allele origin: germline.

PreventionGenetics, part of Exact Sciences
Classification: Uncertain significance for ZNF469-related condition. Last evaluated: 2024-05-15. Review status: no assertion criteria provided. Collection method: clinical testing. Allele origin: germline. Not counted in ClinVar's aggregate classification.
Comment: The ZNF469 c.4591G>A variant is predicted to result in the amino acid substitution p.Glu1531Lys. To our knowledge, this variant has not been reported in the literature. This variant is reported in 0.0067% of alleles in individuals of European (Non-Finnish) descent in gnomAD. At this time, the clinical significance of this variant is uncertain due to the absence of conclusive functional and genetic evidence.

NM_001367624.2(ZNF469):c.4675G>A (p.Glu1559Lys)

Gene: ZNF469 (zinc finger protein 469; plus strand). Cytogenetic location: 16q24.2.
Variant type: single nucleotide variant.
Coding change: c.4675G>A on transcript NM_001367624.2 (MANE Select); coding-DNA position 4675, G replaced by A.
Protein change: p.Glu1559Lys; replaces glutamic acid 1559 with lysine.
Molecular consequence: missense variant.
Genome position (GRCh38, 1-based): chr16:88,432,145, G>A. VCF-style: chr16-88432145-G-A. GRCh37 (hg19) VCF-style: chr16-88498553-G-A.
Other names: NM_001127464.2:c.4591G>A; NM_001127464.1:c.4591G>A; short protein forms E1559K.
Identifiers: ClinVar variation 1702132 (VCV001702132.12), dbSNP rs376951144, ClinGen allele CA286376478.